The following is an entry in ClinVar:

NM_001035.3(RYR2):c.4437-14C>G

Gene: RYR2 (ryanodine receptor 2; plus strand). Cytogenetic location: 1q43.
Variant type: single nucleotide variant.
Coding change: c.4437-14C>G on transcript NM_001035.3 (MANE Select); 14 bases into the intron before coding-DNA position 4437, C replaced by G.
Molecular consequence: intron variant.
Genome position (GRCh38, 1-based): chr1:237,595,484, C>G. VCF-style: chr1-237595484-C-G. GRCh37 (hg19) VCF-style: chr1-237758784-C-G.
Other names: c.4437-14C>G (LRG_402t1).
Identifiers: ClinVar variation 389344 (VCV000389344.1), dbSNP rs1057523407, ClinGen allele CA16603632.

ClinVar aggregate classification (germline): Likely benign (1 of 4 stars; one submission).

Submission:

GeneDx
Classification: Likely benign. Last evaluated: 2016-09-15. Review status: criteria provided, single submitter. Criteria: GeneDx Variant Classification (06012015). Collection method: clinical testing. Allele origin: germline. Affected: yes.
Comment: This variant is considered likely benign or benign based on one or more of the following criteria: it is a conservative change, it occurs at a poorly conserved position in the protein, it is predicted to be benign by multiple in silico algorithms, and/or has population frequency not consistent with disease.